The following is an entry in ClinVar:

ClinVar aggregate classification (germline): Uncertain significance. Review status: criteria provided, multiple submitters, no conflicts (2 of 4 stars). 6 submissions from 6 submitters: Uncertain significance (6). Last evaluated 2025-11-03.

Conditions:
Arrhythmogenic cardiomyopathy with wooly hair and keratoderma. Also called: PALMOPLANTAR KERATODERMA WITH LEFT VENTRICULAR CARDIOMYOPATHY AND WOOLLY HAIR; Carvajal syndrome; Dilated cardiomyopathy with woolly hair and keratoderma; Arrhythmogenic cardiomyopathy with woolly hair and keratoderma. Identifiers: Orphanet 65282, MedGen C1854063, MONDO:0011581, OMIM 605676.
Arrhythmogenic right ventricular dysplasia 8 (ARVD8). Also called: Arrhythmogenic Right Ventricular Dysplasia/Cardiomyopathy 8; ARRHYTHMOGENIC RIGHT VENTRICULAR CARDIOMYOPATHY 8; ARRHYTHMOGENIC RIGHT VENTRICULAR DYSPLASIA, FAMILIAL, 8. Identifiers: MedGen C1843896, MONDO:0011831, OMIM 607450.
Cardiovascular phenotype. Identifiers: MedGen CN230736.
Cardiomyopathy, dilated, with wooly hair, keratoderma, and tooth agenesis. Also called: Cardiomyopathy, dilated, with woolly hair, keratoderma, and tooth agenesis; Erythrokeratodermia-cardiomyopathy syndrome. Identifiers: Orphanet 476096, Orphanet 65282, MedGen C4014393, MONDO:0014355, OMIM 615821.
Keratosis palmoplantaris striata 2. Also called: KERATODERMA, PALMOPLANTAR, STRIATE FORM II; STRIATE PALMOPLANTAR KERATODERMA II; Keratosis palmoplantaris striata II. Identifiers: MedGen C1852127, MONDO:0013034, OMIM 612908.
Woolly hair-skin fragility syndrome (WHSF). Identifiers: Orphanet 293165, MedGen C1843292, MONDO:0957307, OMIM 620415.
Lethal acantholytic epidermolysis bullosa (EBLA). Identifiers: Orphanet 158687, MedGen C1864826, MONDO:0012323, OMIM 609638.
DSP-related disorder. Also called: DSP-related condition; DSP-related disorders.
Cardiomyopathy (CMYO). Also called: Cardiomyopathies. Identifiers: Orphanet 167848, MedGen C0878544, MONDO:0004994, HP:0001638. Inheritance: Various modes of inheritance.

Allele frequency attached by ClinVar (database versions not stated): gnomAD exomes below 0.00001 and 0.00004; ExAC 0.00001; gnomAD 0.00001; TOPMed 0.00001.
gnomAD v4.1: 54 of 1,614,058 alleles (0.0033%); highest among the groups gnomAD compares: Non-Finnish European, 0.0042%; no homozygotes.

Submissions (6):

PreventionGenetics, part of Exact Sciences
Classification: Uncertain significance for DSP-related condition. Last evaluated: 2025-11-03. Review status: criteria provided, single submitter. Criteria: ACMG Guidelines, 2015. Collection method: clinical testing. Allele origin: germline.
Comment: The DSP c.7778T>G variant is predicted to result in the amino acid substitution p.Ile2593Ser. This variant was reported in a sudden unexplained death cohort (Table S3, Lin et al. 2017. PubMed ID: 29247119). This variant is reported in 0.00088% of alleles in individuals of European (Non-Finnish) descent in gnomAD. At this time, the clinical significance of this variant is uncertain due to the absence of conclusive functional and genetic evidence.

Labcorp Genetics (formerly Invitae), Labcorp
Classification: Uncertain significance for Arrhythmogenic cardiomyopathy with wooly hair and keratoderma; Arrhythmogenic right ventricular dysplasia 8. Last evaluated: 2025-07-23. Review status: criteria provided, single submitter. Criteria: Invitae Variant Classification Sherloc (09022015). Collection method: clinical testing. Allele origin: germline.
Comment: This sequence change replaces isoleucine, which is neutral and non-polar, with serine, which is neutral and polar, at codon 2593 of the DSP protein (p.Ile2593Ser). This variant is not present in population databases (gnomAD no frequency). This missense change has been observed in individual(s) with sudden unexplained death (PMID: 29247119). ClinVar contains an entry for this variant (Variation ID: 922453). An algorithm developed to predict the effect of missense changes on protein structure and function (PolyPhen-2) suggests that this variant is likely to be tolerated. In summary, the available evidence is currently insufficient to determine the role of this variant in disease. Therefore, it has been classified as a Variant of Uncertain Significance.

Color Diagnostics, LLC DBA Color Health
Classification: Uncertain significance for Cardiomyopathy. Last evaluated: 2024-07-15. Review status: criteria provided, single submitter. Criteria: ACMG Guidelines, 2015. Collection method: clinical testing. Allele origin: germline.
Comment: This missense variant replaces isoleucine with serine at codon 2593 of the DSP protein. Computational prediction suggests that this variant may not impact protein structure and function (internally defined REVEL score threshold <= 0.5, PMID: 27666373). To our knowledge, functional studies have not been reported for this variant. This variant has been reported in an individual affected with sudden explained death (PMID: 29247119). This variant has been identified in 1/251476 chromosomes in the general population by the Genome Aggregation Database (gnomAD). The available evidence is insufficient to determine the role of this variant in disease conclusively. Therefore, this variant is classified as a Variant of Uncertain Significance.

Ambry Genetics
Classification: Uncertain significance for Cardiovascular phenotype. Last evaluated: 2022-03-25. Review status: criteria provided, single submitter. Criteria: Ambry Variant Classification Scheme 2023. Collection method: clinical testing. Allele origin: germline.
Comment: The p.I2593S variant (also known as c.7778T>G), located in coding exon 24 of the DSP gene, results from a T to G substitution at nucleotide position 7778. The isoleucine at codon 2593 is replaced by serine, an amino acid with dissimilar properties. This alteration has been reported in a sudden unexplained death cohort; however, clinical details were limited (Lin Y et al. Circ Cardiovasc Genet, 2017 Dec;10:[ePub ahead of print]). This amino acid position is not well conserved in available vertebrate species. In addition, this alteration is predicted to be tolerated by in silico analysis. Since supporting evidence is limited at this time, the clinical significance of this alteration remains unclear.

Fulgent Genetics
Classification: Uncertain significance for Arrhythmogenic cardiomyopathy with wooly hair and keratoderma; Arrhythmogenic right ventricular dysplasia 8; Lethal acantholytic epidermolysis bullosa; Keratosis palmoplantaris striata 2; Cardiomyopathy, dilated, with wooly hair, keratoderma, and tooth agenesis. Last evaluated: 2021-08-27. Review status: criteria provided, single submitter. Criteria: ACMG Guidelines, 2015. Collection method: clinical testing. Allele origin: unknown.

Victorian Clinical Genetics Services, Murdoch Childrens Research Institute
Classification: Uncertain significance for Arrhythmogenic right ventricular dysplasia 8. Last evaluated: 2021-05-06. Review status: criteria provided, single submitter. Criteria: ACMG Guidelines, 2015. Collection method: clinical testing. Allele origin: germline. Affected: yes.
Comment: Based on the classification scheme VCGS_Germline_v1.3.4, this variant is classified as VUS-3C. Following criteria are met: 0102 - Loss of function is a known mechanism of disease in this gene and is associated with arrhythmogenic right ventricular dysplasia (MIM#607450) and other DSP-related cardiac disorders. (I) 0108 - This gene is associated with both recessive and dominant disease. Variants in this gene are usually inherited in a dominant manner, however rare reports of recessive inheritance have resulted in a more severe cardiac phenotype (OMIM). (I) 0112 - The condition associated with this gene has incomplete penetrance (PMID: 29062697). (I) 0115 - Variants in this gene are known to have variable expressivity (PMID: 29062697). (I) 0200 - Variant is predicted to result in a missense amino acid change from isoleucine to serine (I) 0251 - This variant is heterozygous. (I) 0302 - Variant is present in gnomAD (v2, v3) <0.001 for a dominant condition (2 heterozygotes, 0 homozygotes). (SP) 0503 - Missense variant consistently predicted to be tolerated by multiple in silico tools or not conserved in placental mammals with a minor amino acid change. (SB) 0604 - Variant is not located in an established domain, motif, hotspot or informative constraint region. (I) 0705 - No comparable missense variants have previous evidence for pathogenicity. (I) 0809 - Previous evidence of pathogenicity for this variant is inconclusive. This variant has only been reported as VUS (ClinVar, PMID: 29247119). (I) 0905 - No published segregation evidence has been identified for this variant. (I) 1007 - No published functional evidence has been identified for this variant. (I) 1208 - Inheritance information for this variant is not currently available in this individual. (I) Legend: (SP) - Supporting pathogenic, (I) - Information, (SB) - Supporting benign

Literature cited by the submitters: PubMed 29247119 (cited by 4 submitters); PubMed 29062697 (cited by Victorian Clinical Genetics Services, Murdoch Childrens Research Institute).

NM_004415.4(DSP):c.7778T>G (p.Ile2593Ser)

Gene: DSP (desmoplakin; plus strand). Cytogenetic location: 6p24.3.
Variant type: single nucleotide variant.
Coding change: c.7778T>G on transcript NM_004415.4 (MANE Select); coding-DNA position 7778, T replaced by G.
Protein change: p.Ile2593Ser; replaces isoleucine 2593 with serine.
Molecular consequence: missense variant.
Genome position (GRCh38, 1-based): chr6:7,585,040, T>G. VCF-style: chr6-7585040-T-G. GRCh37 (hg19) VCF-style: chr6-7585273-T-G.
Other names: c.5981T>G, p.Ile1994Ser (NM_001008844.3); c.6449T>G, p.Ile2150Ser (NM_001319034.2); c.7778T>G (NM_004415.3); short protein forms I2150S, I1994S, I2593S.
Identifiers: ClinVar variation 922453 (VCV000922453.18), dbSNP rs563272509, ClinGen allele CA050795.